The following is an entry in ClinVar:

NM_181882.3(PRX):c.3947C>T (p.Ala1316Val)

Gene: PRX (periaxin; minus strand). Cytogenetic location: 19q13.2.
Variant type: single nucleotide variant.
Coding change: c.3947C>T on transcript NM_181882.3 (MANE Select); coding-DNA position 3947, C replaced by T.
Protein change: p.Ala1316Val; replaces alanine 1316 with valine.
Molecular consequence: missense variant. On other transcripts: 3 prime UTR variant (1).
Genome position (GRCh38, 1-based): chr19:40,394,405, G>A on the plus strand (C>T on the coding strand, the complement: PRX is on the minus strand). VCF-style: chr19-40394405-G-A. GRCh37 (hg19) VCF-style: chr19-40900312-G-A.
Other names: c.*4152C>T (NM_020956.2); short protein forms A1316V.
Identifiers: ClinVar variation 246123 (VCV000246123.54), dbSNP rs142762689, ClinGen allele CA9443732.

ClinVar aggregate classification (germline): Conflicting classifications of pathogenicity. Review status: criteria provided, conflicting classifications (1 of 4 stars). 10 submissions from 10 submitters: Uncertain significance (1); Likely benign (9). Last evaluated 2025-12-08.

Conditions:
PRX-related disorder. Also called: PRX-related condition; PRX-Related Disorders.
Charcot-Marie-Tooth disease. Also called: Charcot-Marie-Tooth Neuropathy; Charcot-Marie-Tooth Hereditary Neuropathy. Identifiers: Orphanet 166, MedGen C0007959, MONDO:0015626.
Charcot-Marie-Tooth disease type 4F. Also called: Charcot-Marie-Tooth disease, demyelinating, type 4F. Identifiers: Orphanet 99952, MedGen C3540453, MONDO:0013959, OMIM 614895.
Charcot-Marie-Tooth disease type 4. Also called: Charcot-Marie-Tooth, Type 4; Charcot-Marie-Tooth disease, type IV. Identifiers: Orphanet 64749, MedGen C4082197, MONDO:0018995.

Allele frequency attached by ClinVar (database versions not stated): gnomAD exomes 0.00014 and 0.00037; ExAC 0.00047; ESP Exome Variant Server 0.00062; gnomAD 0.00132 and 0.00138; TOPMed 0.00149; 1000 Genomes Project 30x 0.00187; 1000 Genomes Project 0.00240.
gnomAD v4.1: 428 of 1,600,720 alleles (0.027%); highest among the groups gnomAD compares: African/African-American, 0.48%; 1 homozygote.

Submissions (10):

Women's Health and Genetics/Laboratory Corporation of America, LabCorp
Classification: Likely benign. Last evaluated: 2025-12-08. Review status: criteria provided, single submitter. Criteria: LabCorp Variant Classification Summary - May 2015. Collection method: clinical testing. Allele origin: germline.
Comment: Variant summary: PRX c.3947C>T (p.Ala1316Val) results in a non-conservative amino acid change in the encoded protein sequence. Algorithms developed to predict the effect of missense changes on protein structure and function are either unavailable or do not agree on the potential impact of this missense change. The variant allele was found at a frequency of 0.00037 in 221688 control chromosomes, predominantly at a frequency of 0.0051 within the African or African-American subpopulation in the gnomAD database. The observed variant frequency within African or African-American control individuals in the gnomAD database exceeds the estimated maximal expected allele frequency for disease-causing variants in PRX. To our knowledge, no occurrence of c.3947C>T in individuals affected with PRX-related conditions and no experimental evidence demonstrating its impact on protein function have been reported. ClinVar contains an entry for this variant (Variation ID: 246123). Based on the evidence outlined above, the variant was classified as likely benign.

Labcorp Genetics (formerly Invitae), Labcorp
Classification: Likely benign for Charcot-Marie-Tooth disease type 4. Last evaluated: 2025-10-21. Review status: criteria provided, single submitter. Criteria: Invitae Variant Classification Sherloc (09022015). Collection method: clinical testing. Allele origin: germline.

CeGaT Center for Human Genetics Tuebingen
Classification: Likely benign. Last evaluated: 2025-09-01. Review status: criteria provided, single submitter. Criteria: CeGaT Center For Human Genetics Tuebingen Variant Classification Criteria Version 2. Collection method: clinical testing. Allele origin: germline. Affected: yes. Observed: 2 variant alleles.
Comment: PRX: BP4, BS1

PreventionGenetics, part of Exact Sciences
Classification: Likely benign for PRX-related condition. Last evaluated: 2025-08-06. Review status: criteria provided, single submitter. Criteria: ACMG Guidelines, 2015. Collection method: clinical testing. Allele origin: germline.
Comment: This variant is classified as likely benign based on ACMG/AMP sequence variant interpretation guidelines (Richards et al. 2015 PMID: 25741868, with internal and published modifications).

Mayo Clinic Laboratories, Mayo Clinic
Classification: Uncertain significance. Last evaluated: 2021-10-08. Review status: criteria provided, single submitter. Criteria: ACMG Guidelines, 2015. Collection method: clinical testing. Allele origin: germline.

GeneDx
Classification: Likely benign. Last evaluated: 2020-11-13. Review status: criteria provided, single submitter. Criteria: GeneDx Variant Classification Process June 2021. Collection method: clinical testing. Allele origin: germline. Affected: yes.
Comment: This variant is associated with the following publications: (PMID: 25164601, 32376792)

Illumina Laboratory Services, Illumina
Classification: Likely benign for Charcot-Marie-Tooth disease type 4F. Last evaluated: 2018-01-13. Review status: criteria provided, single submitter. Criteria: ICSL Variant Classification Criteria 13 December 2019. Collection method: clinical testing. Allele origin: germline.
Comment: This variant was observed in the ICSL laboratory as part of a predisposition screen in an ostensibly healthy population. It had not been previously curated by ICSL or reported in the Human Gene Mutation Database (HGMD: prior to June 1st, 2018), and was therefore a candidate for classification through an automated scoring system. Utilizing variant allele frequency, disease prevalence and penetrance estimates, and inheritance mode, an automated score was calculated to assess if this variant is too frequent to cause the disease. Based on the score and internal cut-off values, a variant classified as likely benign is not then subjected to further curation. The score for this variant resulted in a classification of likely benign for this disease.

Eurofins Ntd Llc (ga)
Classification: Likely benign. Last evaluated: 2018-01-02. Review status: criteria provided, single submitter. Criteria: EGL Classification Definitions 2015. Collection method: clinical testing. Allele origin: germline. Observed: 1 variant allele, 1 heterozygote.

Athena Diagnostics
Classification: Likely benign. Last evaluated: 2017-06-30. Review status: criteria provided, single submitter. Criteria: Athena Diagnostics Criteria. Collection method: clinical testing. Allele origin: germline.

Molecular Genetics Laboratory, London Health Sciences Centre
Classification: Likely benign for Charcot-Marie-Tooth disease. Review status: criteria provided, single submitter. Criteria: ACMG Guidelines, 2015. Collection method: clinical testing. Allele origin: germline. Affected: yes.

Literature cited by the submitters: PubMed 25164601 (cited by Athena Diagnostics).